The following is an entry in ClinVar:

NM_013450.4(BAZ2B):c.290C>G (p.Thr97Arg)

Gene: BAZ2B (bromodomain adjacent to zinc finger domain 2B; minus strand). Cytogenetic location: 2q24.2.
Variant type: single nucleotide variant.
Coding change: c.290C>G on transcript NM_013450.4 (MANE Select); coding-DNA position 290, C replaced by G.
Protein change: p.Thr97Arg; replaces threonine 97 with arginine.
Molecular consequence: missense variant. On other transcripts: intron variant (1).
Genome position (GRCh38, 1-based): chr2:159,453,657, G>C on the plus strand (C>G on the coding strand, the complement: BAZ2B is on the minus strand). VCF-style: chr2-159453657-G-C. GRCh37 (hg19) VCF-style: chr2-160310168-G-C.
Other names: c.290C>G, p.Thr97Arg (NM_001289975.1, NM_001329858.2); c.146-5248C>G (NM_001329857.2); short protein forms T97R.
Identifiers: ClinVar variation 3367930 (VCV003367930.1).

ClinVar aggregate classification (germline): Uncertain significance (1 of 4 stars; one submission).

Submission:

GeneDx
Classification: Uncertain significance. Last evaluated: 2024-02-09. Review status: criteria provided, single submitter. Criteria: GeneDx Variant Classification Process June 2021. Collection method: clinical testing. Allele origin: germline. Affected: yes.
Comment: In silico analysis supports that this missense variant has a deleterious effect on protein structure/function; Has not been previously published as pathogenic or benign to our knowledge